The following is an entry in ClinVar:

ClinVar aggregate classification (germline): Uncertain significance (1 of 4 stars; one submission).

Conditions:
Nemaline myopathy 6 (NEM6). Also called: Nemaline myopathy 6, autosomal dominant. Identifiers: Orphanet 171439, MedGen C1836472, MONDO:0012237, OMIM 609273.

Submission:

Labcorp Genetics (formerly Invitae), Labcorp
Classification: Uncertain significance for Nemaline myopathy 6. Last evaluated: 2024-04-25. Review status: criteria provided, single submitter. Criteria: Invitae Variant Classification Sherloc (09022015). Collection method: clinical testing. Allele origin: germline.
Comment: This sequence change affects codon 28 of the KBTBD13 mRNA. It is a 'silent' change, meaning that it does not change the encoded amino acid sequence of the KBTBD13 protein. The frequency data for this variant in the population databases is considered unreliable, as metrics indicate poor data quality at this position in the gnomAD database. This variant has not been reported in the literature in individuals affected with KBTBD13-related conditions. In summary, the available evidence is currently insufficient to determine the role of this variant in disease. Therefore, it has been classified as a Variant of Uncertain Significance.

NM_001101362.3(KBTBD13):c.84C>T (p.His28=)

Gene: KBTBD13 (kelch repeat and BTB domain containing 13; plus strand). Cytogenetic location: 15q22.31.
Variant type: single nucleotide variant.
Coding change: c.84C>T on transcript NM_001101362.3 (MANE Select); coding-DNA position 84, C replaced by T.
Protein change: p.His28=; no amino-acid change (histidine 28 retained).
Molecular consequence: synonymous variant.
Genome position (GRCh38, 1-based): chr15:65,076,899, C>T. VCF-style: chr15-65076899-C-T. GRCh37 (hg19) VCF-style: chr15-65369237-C-T.
Identifiers: ClinVar variation 3627297 (VCV003627297.2).
Genomic context (GRCh38, chr15:65,076,899, plus strand): 5'-GGTGCAGGTGTGGGTGGGCGGCCAGCTCTTCCAAGCCGACCGCGCCCTGCTGGTGGAGCA[C>T]TGTGGCTTCTTCCGAGGCCTCTTCCGCTCCGGCATGCGGGAGACCCGCGCAGCAGAGGTG-3'
Protein context (NP_001094832.1, residues 18-38): FQADRALLVE[His28=]CGFFRGLFRS